The following is an entry in ClinVar:

ClinVar aggregate classification (germline): Uncertain significance (1 of 4 stars; one submission).

Allele frequency attached by ClinVar (database versions not stated): gnomAD exomes below 0.00001; ExAC 0.00001; gnomAD 0.00001; TOPMed 0.00002.
gnomAD v4.1: 6 of 1,596,494 alleles (0.00038%); highest among the groups gnomAD compares: Middle Eastern, 0.017%; no homozygotes.

Submission:

Labcorp Genetics (formerly Invitae), Labcorp
Classification: Uncertain significance. Last evaluated: 2021-09-23. Review status: criteria provided, single submitter. Criteria: Invitae Variant Classification Sherloc (09022015). Collection method: clinical testing. Allele origin: germline.
Comment: This sequence change replaces glutamine with proline at codon 1064 of the LAMC3 protein (p.Gln1064Pro). The glutamine residue is moderately conserved and there is a moderate physicochemical difference between glutamine and proline. This variant is present in population databases (rs767729142, ExAC 0.002%). This variant has not been reported in the literature in individuals affected with LAMC3-related conditions. Algorithms developed to predict the effect of missense changes on protein structure and function (SIFT, PolyPhen-2, Align-GVGD) all suggest that this variant is likely to be tolerated. In summary, the available evidence is currently insufficient to determine the role of this variant in disease. Therefore, it has been classified as a Variant of Uncertain Significance.

NM_006059.4(LAMC3):c.3191A>C (p.Gln1064Pro)

Gene: LAMC3 (laminin subunit gamma 3; plus strand). Cytogenetic location: 9q34.12.
Variant type: single nucleotide variant.
Coding change: c.3191A>C on transcript NM_006059.4 (MANE Select); coding-DNA position 3191, A replaced by C.
Protein change: p.Gln1064Pro; replaces glutamine 1064 with proline.
Molecular consequence: missense variant.
Genome position (GRCh38, 1-based): chr9:131,071,605, A>C. VCF-style: chr9-131071605-A-C. GRCh37 (hg19) VCF-style: chr9-133946992-A-C.
Other names: short protein forms Q1064P.
Identifiers: ClinVar variation 1378343 (VCV001378343.3), dbSNP rs767729142, ClinGen allele CA5287699.
Genomic context (GRCh38, chr9:131,071,605, plus strand): 5'-GCAGTCCCTGGGGACCACTAGACATTCTGCTGGGAGAGGCCCCAAGGGGGGACGTCTACC[A>C]GGGCCATCACCTGCTTCCAGGTACAGCAGGAGCGCAGAGCGGGAGGGTGGGAGGCAAGGG-3'
Protein context (NP_006050.3, residues 1054-1074): LGEAPRGDVY[Gln1064Pro]GHHLLPGARE